The following is an entry in ClinVar:

NM_002693.3(POLG):c.3271G>A (p.Glu1091Lys)

Gene: POLG (DNA polymerase gamma, catalytic subunit; minus strand). Cytogenetic location: 15q26.1.
Variant type: single nucleotide variant.
Coding change: c.3271G>A on transcript NM_002693.3 (MANE Select); coding-DNA position 3271, G replaced by A.
Protein change: p.Glu1091Lys; replaces glutamic acid 1091 with lysine.
Molecular consequence: missense variant.
Genome position (GRCh38, 1-based): chr15:89,318,933, C>T on the plus strand (G>A on the coding strand, the complement: POLG is on the minus strand). VCF-style: chr15-89318933-C-T. GRCh37 (hg19) VCF-style: chr15-89862164-C-T.
Other names: p.Glu1091Lys; c.3271G>A, p.Glu1091Lys (NM_001126131.2); short protein forms E1091K.
Identifiers: ClinVar variation 2683324 (VCV002683324.1), dbSNP rs2509206646, ClinGen allele CA393750393.
Genomic context (GRCh38, chr15:89,318,933, plus strand): 5'-AGCTCTGCCCTGCCCTCCCTGGGGCCCCTCTGCCCATGCTCCAAAGGTAGCAAGATACCT[C>T]TTCCTGGACAGCCGAGGGCTCCAGGGCTCGGCTGATGCAGCAGCCCAGCACCGGGGTACG-3'
Protein context (NP_002684.1, residues 1081-1101): RALEPSAVQE[Glu1091Lys]FMTSRVNWVV

ClinVar aggregate classification (germline): Uncertain significance (1 of 4 stars; one submission).

Submission:

Mayo Clinic Laboratories, Mayo Clinic
Classification: Uncertain significance. Last evaluated: 2023-06-12. Review status: criteria provided, single submitter. Criteria: ACMG Guidelines, 2015. Collection method: clinical testing. Allele origin: germline. Observed: 1 variant allele.
Comment: PM2